The following is an entry in ClinVar:

NM_004795.4(KL):c.1667G>A (p.Arg556Lys)

Gene: KL (klotho; plus strand). Cytogenetic location: 13q13.1.
Variant type: single nucleotide variant.
Coding change: c.1667G>A on transcript NM_004795.4 (MANE Select); coding-DNA position 1667, G replaced by A.
Protein change: p.Arg556Lys; replaces arginine 556 with lysine.
Molecular consequence: missense variant.
Genome position (GRCh38, 1-based): chr13:33,060,746, G>A. VCF-style: chr13-33060746-G-A. GRCh37 (hg19) VCF-style: chr13-33634883-G-A.
Other names: short protein forms R556K.
Identifiers: ClinVar variation 2823866 (VCV002823866.3), dbSNP rs1385636641, ClinGen allele CA387794347.

ClinVar aggregate classification (germline): Uncertain significance (1 of 4 stars; one submission).

Allele frequency attached by ClinVar (database versions not stated): gnomAD exomes below 0.00001; gnomAD 0.00001.
gnomAD v4.1: 2 of 1,614,056 alleles (0.00012%); highest among the groups gnomAD compares: Non-Finnish European, 0.00017%; no homozygotes.

Submission:

Labcorp Genetics (formerly Invitae), Labcorp
Classification: Uncertain significance. Last evaluated: 2022-12-24. Review status: criteria provided, single submitter. Criteria: Invitae Variant Classification Sherloc (09022015). Collection method: clinical testing. Allele origin: germline.
Comment: In summary, the available evidence is currently insufficient to determine the role of this variant in disease. Therefore, it has been classified as a Variant of Uncertain Significance. Advanced modeling of protein sequence and biophysical properties (such as structural, functional, and spatial information, amino acid conservation, physicochemical variation, residue mobility, and thermodynamic stability) performed at Invitae indicates that this missense variant is not expected to disrupt KL protein function. This variant has not been reported in the literature in individuals affected with KL-related conditions. This variant is present in population databases (no rsID available, gnomAD 0.007%). This sequence change replaces arginine, which is basic and polar, with lysine, which is basic and polar, at codon 556 of the KL protein (p.Arg556Lys).